The following is an entry in ClinVar:

NM_032119.4(ADGRV1):c.13367dup (p.Val4457fs)

Gene: ADGRV1 (adhesion G protein-coupled receptor V1; plus strand). Cytogenetic location: 5q14.3.
Variant type: Duplication.
Coding change: c.13367dup on transcript NM_032119.4 (MANE Select); coding-DNA position 13367, one base duplicated (C; older notation c.13367dupC).
Protein change: p.Val4457fs; shifts the reading frame from valine 4457.
Molecular consequence: frameshift variant. On other transcripts: non-coding transcript variant (1).
Genome position (GRCh38, 1-based): chr5:90,783,259, C duplicated. VCF-style (leftmost placement, unchanged base first): chr5-90783258-A-AC. GRCh37 (hg19) VCF-style: chr5-90079075-A-AC.
Other names: short protein forms V4457fs.
Identifiers: ClinVar variation 1454314 (VCV001454314.6), dbSNP rs2150102836, ClinGen allele CA2573140030.

ClinVar aggregate classification (germline): Pathogenic (1 of 4 stars; one submission).

Submission:

Labcorp Genetics (formerly Invitae), Labcorp
Classification: Pathogenic. Last evaluated: 2023-11-13. Review status: criteria provided, single submitter. Criteria: Invitae Variant Classification Sherloc (09022015). Collection method: clinical testing. Allele origin: germline.
Comment: This sequence change creates a premature translational stop signal (p.Val4457Serfs*18) in the ADGRV1 gene. It is expected to result in an absent or disrupted protein product. Loss-of-function variants in ADGRV1 are known to be pathogenic (PMID: 19357117, 22135276, 22147658, 26226137, 30718709, 31047384, 32467589). This variant is not present in population databases (gnomAD no frequency). This variant has not been reported in the literature in individuals affected with ADGRV1-related conditions. ClinVar contains an entry for this variant (Variation ID: 1454314). For these reasons, this variant has been classified as Pathogenic.

Literature cited by the submitters: PubMed 19357117; PubMed 22135276; PubMed 22147658; PubMed 26226137; PubMed 30718709; PubMed 31047384; PubMed 32467589.